The following is an entry in ClinVar:

NM_001378414.1(HDAC4):c.3189C>T (p.Ala1063=)

Gene: HDAC4 (histone deacetylase 4; minus strand). Cytogenetic location: 2q37.3.
Variant type: single nucleotide variant.
Coding change: c.3189C>T on transcript NM_001378414.1 (MANE Select); coding-DNA position 3189, C replaced by T.
Protein change: p.Ala1063=; no amino-acid change (alanine 1063 retained).
Molecular consequence: synonymous variant.
Genome position (GRCh38, 1-based): chr2:239,053,501, G>A on the plus strand (C>T on the coding strand, the complement: HDAC4 is on the minus strand). VCF-style: chr2-239053501-G-A. GRCh37 (hg19) VCF-style: chr2-239975197-G-A.
Other names: c.3189C>T, p.Ala1063= (NM_001378415.1); c.3174C>T, p.Ala1058= (NM_001378416.1, NM_001378417.1, NM_006037.4).
Identifiers: ClinVar variation 3771555 (VCV003771555.13).
Genomic context (GRCh38, chr2:239,053,501, plus strand): 5'-CGGCAGGGCAGGTGCTCACCTCTTTTCGGCGGGCTTCACGCCCACGGACAGCGAGGCCAT[G>A]GCGGTGACCGTCTCGGCTTCTTCGTTCTCGCAAGTCTGAGCCTCGATCAGAGAACGCCCC-3'
Protein context (NP_001365343.1, residues 1053-1073): CENEEAETVT[Ala1063=]MASLSVGVKP

ClinVar aggregate classification (germline): Likely benign (1 of 4 stars; one submission).

gnomAD v4.1: 2 of 1,613,820 alleles (0.00012%); highest among the groups gnomAD compares: Non-Finnish European, 0.00017%; no homozygotes.

Submission:

CeGaT Center for Human Genetics Tuebingen
Classification: Likely benign. Last evaluated: 2025-02-01. Review status: criteria provided, single submitter. Criteria: CeGaT Center For Human Genetics Tuebingen Variant Classification Criteria Version 2. Collection method: clinical testing. Allele origin: germline. Affected: yes. Observed: 1 variant allele.
Comment: HDAC4: BP4, BP7